The following is an entry in ClinVar:

ClinVar aggregate classification (germline): Benign. Review status: criteria provided, single submitter (1 of 4 stars). 2 submissions from 2 submitters: Benign (1). 1 of the submissions does not count toward it. Last evaluated 2023-12-21.

Conditions:
KMT2D-related disorder. Also called: KMT2D-Related Disorders.
Kabuki syndrome. Also called: Kabuki make-up syndrome; NIIKAWA-KUROKI SYNDROME. Identifiers: Orphanet 2322, MedGen C0796004, MONDO:0016512.

Allele frequency attached by ClinVar (database versions not stated): gnomAD exomes below 0.00001.
gnomAD v4.1: 1 of 1,613,408 alleles (0.000062%); highest among the groups gnomAD compares: African/African-American, 0.0013%; no homozygotes.

Submissions (2):

Labcorp Genetics (formerly Invitae), Labcorp
Classification: Benign for Kabuki syndrome. Last evaluated: 2023-12-21. Review status: criteria provided, single submitter. Criteria: Invitae Variant Classification Sherloc (09022015). Collection method: clinical testing. Allele origin: germline.

PreventionGenetics, part of Exact Sciences
Classification: Uncertain significance for KMT2D-related condition. Last evaluated: 2024-02-02. Review status: no assertion criteria provided. Collection method: clinical testing. Allele origin: germline. Not counted in ClinVar's aggregate classification.
Comment: The KMT2D c.1226C>T variant is predicted to result in the amino acid substitution p.Pro409Leu. To our knowledge, this variant has not been reported in the literature. This variant is reported in 0.0065% of alleles in individuals of African descent in gnomAD. At this time, the clinical significance of this variant is uncertain due to the absence of conclusive functional and genetic evidence.

NM_003482.4(KMT2D):c.1226C>T (p.Pro409Leu)

Gene: KMT2D (lysine methyltransferase 2D; minus strand). Cytogenetic location: 12q13.12.
Variant type: single nucleotide variant.
Coding change: c.1226C>T on transcript NM_003482.4 (MANE Select); coding-DNA position 1226, C replaced by T.
Protein change: p.Pro409Leu; replaces proline 409 with leucine.
Molecular consequence: missense variant.
Genome position (GRCh38, 1-based): chr12:49,052,596, G>A on the plus strand (C>T on the coding strand, the complement: KMT2D is on the minus strand). VCF-style: chr12-49052596-G-A. GRCh37 (hg19) VCF-style: chr12-49446379-G-A.
Other names: short protein forms P409L.
Identifiers: ClinVar variation 2704622 (VCV002704622.5), dbSNP rs1385730689, ClinGen allele CA384676260.